The following is an entry in ClinVar:

NM_002303.6(LEPR):c.2349A>G (p.Ile783Met)

Gene: LEPR (leptin receptor; plus strand). Cytogenetic location: 1p31.3.
Variant type: single nucleotide variant.
Coding change: c.2349A>G on transcript NM_002303.6 (MANE Select); coding-DNA position 2349, A replaced by G.
Protein change: p.Ile783Met; replaces isoleucine 783 with methionine.
Molecular consequence: missense variant.
Genome position (GRCh38, 1-based): chr1:65,618,100, A>G. VCF-style: chr1-65618100-A-G. GRCh37 (hg19) VCF-style: chr1-66083783-A-G.
Other names: c.2349A>G, p.Ile783Met (NM_001003679.3, NM_001003680.3, NM_001198687.2 and 2 more transcripts); short protein forms I783M.
Identifiers: ClinVar variation 4991553 (VCV004991553.1).

ClinVar aggregate classification (germline): Uncertain significance (1 of 4 stars; one submission).

Conditions:
LEPR-related disorder. Also called: LEPR-related condition; LEPR-related disorders.

Submission:

PreventionGenetics, part of Exact Sciences
Classification: Uncertain significance for LEPR-related condition. Last evaluated: 2025-10-09. Review status: criteria provided, single submitter. Criteria: ACMG Guidelines, 2015. Collection method: clinical testing. Allele origin: germline.
Comment: The LEPR c.2349A>G variant is predicted to result in the amino acid substitution p.Ile783Met. To our knowledge, this variant has not been reported in the literature or in a large population database (gnomAD), indicating this variant is rare. In vitro functional studies showed function similar to wild-type levels for this variant (Supplemental Data Set, Shah et al. 2023. PubMed ID: 36864747). At this time, the clinical significance of this variant is uncertain due to the absence of conclusive functional and genetic evidence.